The following is an entry in ClinVar:

ClinVar aggregate classification (germline): Uncertain significance (1 of 4 stars; one submission).

Conditions:
Parathyroid carcinoma (PRTC). Also called: CDC73-Related Parathyroid Carcinoma; Parathyroid gland carcinoma. Identifiers: Orphanet 143, MedGen C0687150, MONDO:0012004, OMIM 608266, HP:0006780.

Submission:

Labcorp Genetics (formerly Invitae), Labcorp
Classification: Uncertain significance for Parathyroid carcinoma. Last evaluated: 2025-11-19. Review status: criteria provided, single submitter. Criteria: Invitae Variant Classification Sherloc (09022015). Collection method: clinical testing. Allele origin: germline.
Comment: This sequence change replaces glutamine, which is neutral and polar, with lysine, which is basic and polar, at codon 239 of the CDC73 protein (p.Gln239Lys). This variant is not present in population databases (gnomAD no frequency). This variant has not been reported in the literature in individuals affected with CDC73-related conditions. Invitae Evidence Modeling of protein sequence and biophysical properties (such as structural, functional, and spatial information, amino acid conservation, physicochemical variation, residue mobility, and thermodynamic stability) has been performed for this missense variant. However, the output from this modeling did not meet the statistical confidence thresholds required to predict the impact of this variant on CDC73 protein function. In summary, the available evidence is currently insufficient to determine the role of this variant in disease. Therefore, it has been classified as a Variant of Uncertain Significance.

NM_024529.5(CDC73):c.715C>A (p.Gln239Lys)

Gene: CDC73 (cell division cycle 73; plus strand). Cytogenetic location: 1q31.2.
Variant type: single nucleotide variant.
Coding change: c.715C>A on transcript NM_024529.5 (MANE Select); coding-DNA position 715, C replaced by A.
Protein change: p.Gln239Lys; replaces glutamine 239 with lysine.
Molecular consequence: missense variant.
Genome position (GRCh38, 1-based): chr1:193,142,052, C>A. VCF-style: chr1-193142052-C-A. GRCh37 (hg19) VCF-style: chr1-193111182-C-A.
Other names: short protein forms Q239K.
Identifiers: ClinVar variation 4741752 (VCV004741752.1).